The following is an entry in ClinVar:

NM_025233.7(COASY):c.1417G>C (p.Val473Leu)

Gene: COASY (Coenzyme A synthase; plus strand). Cytogenetic location: 17q21.2.
Variant type: single nucleotide variant.
Coding change: c.1417G>C on transcript NM_025233.7 (MANE Select); coding-DNA position 1417, G replaced by C.
Protein change: p.Val473Leu; replaces valine 473 with leucine.
Molecular consequence: missense variant.
Genome position (GRCh38, 1-based): chr17:42,565,500, G>C. VCF-style: chr17-42565500-G-C. GRCh37 (hg19) VCF-style: chr17-40717518-G-C.
Other names: c.1417G>C, p.Val473Leu (NM_001042529.3); c.1504G>C, p.Val502Leu (NM_001042532.4); c.1504G>C (NM_001042532.2); short protein forms V473L, V502L.
Identifiers: ClinVar variation 1520512 (VCV001520512.5), dbSNP rs756864275, ClinGen allele CA8578332.

ClinVar aggregate classification (germline): Uncertain significance. Review status: criteria provided, multiple submitters, no conflicts (2 of 4 stars). 2 submissions from 2 submitters: Uncertain significance (2). Last evaluated 2023-09-13.

Conditions:
Neurodegeneration with brain iron accumulation 6 (NBIA6). Also called: COASY protein-associated neurodegeneration. Identifiers: Orphanet 397725, MedGen C4517377, MONDO:0014290, OMIM 615643.

Allele frequency attached by ClinVar (database versions not stated): ExAC 0.00001; gnomAD exomes 0.00002 and 0.00010; TOPMed 0.00003; gnomAD 0.00004.
gnomAD v4.1: 148 of 1,614,136 alleles (0.0092%); highest among the groups gnomAD compares: Non-Finnish European, 0.012%; no homozygotes.

Submissions (2):

Ambry Genetics
Classification: Uncertain significance. Last evaluated: 2023-09-13. Review status: criteria provided, single submitter. Criteria: Ambry Variant Classification Scheme 2023. Collection method: clinical testing. Allele origin: germline.

Labcorp Genetics (formerly Invitae), Labcorp
Classification: Uncertain significance for Neurodegeneration with brain iron accumulation 6. Last evaluated: 2021-10-12. Review status: criteria provided, single submitter. Criteria: Invitae Variant Classification Sherloc (09022015). Collection method: clinical testing. Allele origin: germline.
Comment: This sequence change replaces valine with leucine at codon 473 of the COASY protein (p.Val473Leu). The valine residue is weakly conserved and there is a small physicochemical difference between valine and leucine. This variant is present in population databases (rs756864275, ExAC 0.002%). This variant has not been reported in the literature in individuals affected with COASY-related conditions. Algorithms developed to predict the effect of missense changes on protein structure and function output the following: SIFT: "Tolerated"; PolyPhen-2: "Benign"; Align-GVGD: "Class C0". The leucine amino acid residue is found in multiple mammalian species, which suggests that this missense change does not adversely affect protein function. In summary, the available evidence is currently insufficient to determine the role of this variant in disease. Therefore, it has been classified as a Variant of Uncertain Significance.